The following is an entry in ClinVar:

NM_001127222.2(CACNA1A):c.1186A>G (p.Ile396Val)

Gene: CACNA1A (calcium voltage-gated channel subunit alpha1 A; minus strand). Cytogenetic location: 19p13.13.
Variant type: single nucleotide variant.
Coding change: c.1186A>G on transcript NM_001127222.2 (MANE Select); coding-DNA position 1186, A replaced by G.
Protein change: p.Ile396Val; replaces isoleucine 396 with valine.
Molecular consequence: missense variant.
Genome position (GRCh38, 1-based): chr19:13,334,390, T>C on the plus strand (A>G on the coding strand, the complement: CACNA1A is on the minus strand). VCF-style: chr19-13334390-T-C. GRCh37 (hg19) VCF-style: chr19-13445204-T-C.
Other names: c.1186A>G, p.Ile396Val (NM_000068.4, NM_001127221.2, NM_001174080.2 and 1 more transcripts); short protein forms I396V.
Identifiers: ClinVar variation 4075402 (VCV004075402.1).

ClinVar aggregate classification (germline): Likely pathogenic (1 of 4 stars; one submission).

Conditions:
Episodic ataxia type 2 (EA2). Also called: EPISODIC ATAXIA, NYSTAGMUS-ASSOCIATED; ACETAZOLAMIDE-RESPONSIVE HEREDITARY PAROXYSMAL CEREBELLAR ATAXIA; ATAXIA, EPISODIC, WITH NYSTAGMUS; ATAXIA, FAMILIAL PAROXYSMAL; CEREBELLAR ATAXIA, PAROXYSMAL, ACETAZOLAMIDE-RESPONSIVE; CEREBELLOPATHY, HEREDITARY PAROXYSMAL. Identifiers: Orphanet 97, MedGen C1720416, MONDO:0007163, OMIM 108500.

Submission:

Clinical Genetics Laboratory, Skane University Hospital Lund
Classification: Likely pathogenic for Episodic ataxia type 2. Last evaluated: 2025-08-19. Review status: criteria provided, single submitter. Criteria: ACMG Guidelines, 2015. Collection method: clinical testing. Allele origin: de novo. Inheritance: Autosomal dominant inheritance. Affected: yes.
Comment: ACMG criteria used: PS2, PM2 och PP3